The following is an entry in ClinVar:

ClinVar aggregate classification (germline): Likely benign (0 of 4 stars; one submission).

Conditions:
CDH19-related disorder. Also called: CDH19-related condition.

Allele frequency attached by ClinVar (database versions not stated): gnomAD exomes 0.00006; 1000 Genomes Project 0.00020; ExAC 0.00029; 1000 Genomes Project 30x 0.00031; ESP Exome Variant Server 0.00077; gnomAD 0.00077; TOPMed 0.00090.
gnomAD v4.1: 190 of 1,467,194 alleles (0.013%); highest among the groups gnomAD compares: African/African-American, 0.25%; no homozygotes.

Submission:

PreventionGenetics, part of Exact Sciences
Classification: Likely benign for CDH19-related condition. Last evaluated: 2023-07-13. Review status: no assertion criteria provided. Collection method: clinical testing. Allele origin: germline.
Comment: This variant is classified as likely benign based on ACMG/AMP sequence variant interpretation guidelines (Richards et al. 2015 PMID: 25741868, with internal and published modifications).

NM_021153.4(CDH19):c.1222A>G (p.Ile408Val)

Gene: CDH19 (cadherin 19; minus strand). Cytogenetic location: 18q22.1.
Variant type: single nucleotide variant.
Coding change: c.1222A>G on transcript NM_021153.4 (MANE Select); coding-DNA position 1222, A replaced by G.
Protein change: p.Ile408Val; replaces isoleucine 408 with valine.
Molecular consequence: missense variant. On other transcripts: non-coding transcript variant (1).
Genome position (GRCh38, 1-based): chr18:66,535,100, T>C on the plus strand (A>G on the coding strand, the complement: CDH19 is on the minus strand). VCF-style: chr18-66535100-T-C. GRCh37 (hg19) VCF-style: chr18-64202337-T-C.
Other names: c.1222A>G, p.Ile408Val (NM_001271028.2); short protein forms I408V.
Identifiers: ClinVar variation 3040895 (VCV003040895.2), dbSNP rs139472770, ClinGen allele CA8991929.